The following is an entry in ClinVar:

ClinVar aggregate classification (germline): Likely benign. Review status: criteria provided, multiple submitters, no conflicts (2 of 4 stars). 4 submissions from 4 submitters: Likely benign (3). 1 of the submissions does not count toward it. Last evaluated 2026-03-27.

Conditions:
Dystrophin deficiency.
Cardiomyopathy (CMYO). Also called: Cardiomyopathies. Identifiers: Orphanet 167848, MedGen C0878544, MONDO:0004994, HP:0001638. Inheritance: Various modes of inheritance.
Becker muscular dystrophy (BMD). Also called: Becker Muscular Dystrophy (BMD); MUSCULAR DYSTROPHY, PSEUDOHYPERTROPHIC PROGRESSIVE, BECKER TYPE. Identifiers: Orphanet 98895, MedGen C0917713, MONDO:0010311, OMIM 300376.
Duchenne muscular dystrophy (DMD). Also called: Duchenne Muscular Dystrophy (DMD); MUSCULAR DYSTROPHY, PSEUDOHYPERTROPHIC PROGRESSIVE, DUCHENNE TYPE. Identifiers: Orphanet 98896, MedGen C0013264, MONDO:0010679, OMIM 310200.

Allele frequency attached by ClinVar (database versions not stated): TOPMed below 0.00001; ExAC 0.00001; gnomAD 0.00001; gnomAD exomes 0.00001.
gnomAD v4.1: 11 of 1,207,416 alleles (0.00091%); highest among the groups gnomAD compares: Non-Finnish European, 0.0012%; no homozygotes.

Submissions (4):

Molecular Diagnostic Laboratory for Inherited Cardiovascular Disease, Montreal Heart Institute
Classification: Likely benign. Last evaluated: 2026-03-27. Review status: criteria provided, single submitter. Criteria: ACMG Guidelines, 2015. Collection method: clinical testing. Allele origin: germline. Affected: no.

Labcorp Genetics (formerly Invitae), Labcorp
Classification: Likely benign for Duchenne muscular dystrophy. Last evaluated: 2025-12-24. Review status: criteria provided, single submitter. Criteria: Invitae Variant Classification Sherloc (09022015). Collection method: clinical testing. Allele origin: germline.

GeneDx
Classification: Likely benign. Last evaluated: 2018-01-30. Review status: criteria provided, single submitter. Criteria: GeneDx Variant Classification (06012015). Collection method: clinical testing. Allele origin: germline. Affected: yes.
Comment: This variant is considered likely benign or benign based on one or more of the following criteria: it is a conservative change, it occurs at a poorly conserved position in the protein, it is predicted to be benign by multiple in silico algorithms, and/or has population frequency not consistent with disease.

Natera, Inc.
Classification: Likely benign for Becker muscular dystrophy; Cardiomyopathy; Duchenne muscular dystrophy; Dystrophin deficiency. Last evaluated: 2018-09-27. Review status: no assertion criteria provided. Collection method: clinical testing. Allele origin: germline. Not counted in ClinVar's aggregate classification.

NM_004006.3(DMD):c.6093C>T (p.Leu2031=)

Gene: DMD (dystrophin; minus strand). Cytogenetic location: Xp21.1.
Variant type: single nucleotide variant.
Coding change: c.6093C>T on transcript NM_004006.3 (MANE Select); coding-DNA position 6093, C replaced by T.
Protein change: p.Leu2031=; no amino-acid change (leucine 2031 retained).
Molecular consequence: synonymous variant.
Genome position (GRCh38, 1-based): chrX:32,310,106, G>A on the plus strand (C>T on the coding strand, the complement: DMD is on the minus strand). VCF-style: chrX-32310106-G-A. GRCh37 (hg19) VCF-style: chrX-32328223-G-A.
Other names: c.6069C>T, p.Leu2023= (NM_000109.4); c.6081C>T, p.Leu2027= (NM_004009.3); c.5724C>T, p.Leu1908= (NM_004010.3); c.2070C>T, p.Leu690= (NM_004011.4); c.2061C>T, p.Leu687= (NM_004012.4).
Identifiers: ClinVar variation 515135 (VCV000515135.8), dbSNP rs745904383, ClinGen allele CA10378548.